The following is an entry in ClinVar:

NM_000191.3(HMGCL):c.275T>A (p.Leu92Ter)

Gene: HMGCL (3-hydroxy-3-methylglutaryl-CoA lyase; minus strand). Cytogenetic location: 1p36.11.
Variant type: single nucleotide variant.
Coding change: c.275T>A on transcript NM_000191.3 (MANE Select); coding-DNA position 275, T replaced by A.
Protein change: p.Leu92Ter; replaces leucine 92 with a stop codon.
Molecular consequence: nonsense.
Genome position (GRCh38, 1-based): chr1:23,816,748, A>T on the plus strand (T>A on the coding strand, the complement: HMGCL is on the minus strand). VCF-style: chr1-23816748-A-T. GRCh37 (hg19) VCF-style: chr1-24143238-A-T.
Other names: c.275T>A, p.Leu92Ter (NM_001166059.2); short protein forms L92*.
Identifiers: ClinVar variation 984178 (VCV000984178.3), dbSNP rs1638620864, ClinGen allele CA339028740.

ClinVar aggregate classification (germline): Likely pathogenic (1 of 4 stars; one submission).

Conditions:
Deficiency of hydroxymethylglutaryl-CoA lyase (HMGCLD). Also called: HMGCL DEFICIENCY; HYDROXYMETHYLGLUTARIC ACIDURIA; HMG-CoA LYASE DEFICIENCY; Defect in leucine metabolism; 3-hydroxy-3-methylglutaric aciduria. Identifiers: Orphanet 20, MedGen C1533587, MONDO:0009520, OMIM 246450.

Submission:

Myriad Genetics, Inc.
Classification: Likely pathogenic for Deficiency of hydroxymethylglutaryl-CoA lyase. Last evaluated: 2019-12-29. Review status: criteria provided, single submitter. Criteria: Myriad Women's Health Autosomal Recessive and X-Linked Classification Criteria (2019). Collection method: clinical testing. Allele origin: unknown.
Comment: NM_000191.2(HMGCL):c.275T>A(L92*) is expected to be pathogenic in the context of HMG-CoA lyase deficiency. This variant is predicted to lead to an abnormal or absent protein product due to the creation of a premature termination codon in HMGCL, a gene where loss-of-function variants are known to be pathogenic. Please note: this variant was assessed in the context of healthy population screening.